The following is an entry in ClinVar:

ClinVar aggregate classification (germline): Likely benign (0 of 4 stars; one submission).

Conditions:
SAGE1-related disorder. Also called: SAGE1-related condition.

Allele frequency attached by ClinVar (database versions not stated): gnomAD 0.00002; TOPMed 0.00003; ExAC 0.00005; 1000 Genomes Project 30x 0.00021; 1000 Genomes Project 0.00026; gnomAD exomes 0.00001.
gnomAD v4.1: 17 of 1,202,038 alleles (0.0014%); highest among the groups gnomAD compares: Admixed American, 0.026%; no homozygotes.

Submission:

PreventionGenetics, part of Exact Sciences
Classification: Likely benign for SAGE1-related condition. Last evaluated: 2019-11-12. Review status: no assertion criteria provided. Collection method: clinical testing. Allele origin: germline.
Comment: This variant is classified as likely benign based on ACMG/AMP sequence variant interpretation guidelines (Richards et al. 2015 PMID: 25741868, with internal and published modifications).

NM_001381902.1(SAGE1):c.2166T>C (p.Asp722=)

Gene: SAGE1 (sarcoma antigen 1; plus strand). Cytogenetic location: Xq26.3.
Variant type: single nucleotide variant.
Coding change: c.2166T>C on transcript NM_001381902.1 (MANE Select); coding-DNA position 2166, T replaced by C.
Protein change: p.Asp722=; no amino-acid change (aspartic acid 722 retained).
Molecular consequence: synonymous variant.
Genome position (GRCh38, 1-based): chrX:135,911,598, T>C. VCF-style: chrX-135911598-T-C. GRCh37 (hg19) VCF-style: chrX-134993757-T-C.
Other names: c.2166T>C, p.Asp722= (NM_018666.3).
Identifiers: ClinVar variation 3046100 (VCV003046100.2), dbSNP rs782438578, ClinGen allele CA10524367.